The following is an entry in ClinVar:

NM_004456.5(EZH2):c.117+6A>C

Gene: EZH2 (enhancer of zeste 2 polycomb repressive complex 2 subunit; minus strand). Cytogenetic location: 7q36.1.
Variant type: single nucleotide variant.
Coding change: c.117+6A>C on transcript NM_004456.5 (MANE Select); 6 bases into the intron after coding-DNA position 117, A replaced by C.
Molecular consequence: intron variant.
Genome position (GRCh38, 1-based): chr7:148,847,176, T>G on the plus strand (A>C on the coding strand, the complement: EZH2 is on the minus strand). VCF-style: chr7-148847176-T-G. GRCh37 (hg19) VCF-style: chr7-148544268-T-G.
Other names: c.117+6A>C (NM_001203248.2, NM_152998.3, NM_001203247.2 and 1 more transcripts).
Identifiers: ClinVar variation 4738969 (VCV004738969.1).

ClinVar aggregate classification (germline): Uncertain significance (1 of 4 stars; one submission).

Conditions:
Weaver syndrome (WVS). Also called: Weaver Smith syndrome; Overgrowth syndrome with accelerated skeletal maturation, unusual facies, and camptodactyly. Identifiers: Orphanet 3447, MedGen C0265210, MONDO:0010193, OMIM 277590.

gnomAD v4.1: 12 of 1,603,224 alleles (0.00075%); highest among the groups gnomAD compares: South Asian, 0.0023%; no homozygotes.

Submission:

Labcorp Genetics (formerly Invitae), Labcorp
Classification: Uncertain significance for Weaver syndrome. Last evaluated: 2025-09-24. Review status: criteria provided, single submitter. Criteria: Invitae Variant Classification Sherloc (09022015). Collection method: clinical testing. Allele origin: germline.
Comment: This sequence change falls in intron 2 of the EZH2 gene. It does not directly change the encoded amino acid sequence of the EZH2 protein. It affects a nucleotide within the consensus splice site. This variant is present in population databases (rs748373676, gnomAD 0.007%). This variant has not been reported in the literature in individuals affected with EZH2-related conditions. Variants that disrupt the consensus splice site are a relatively common cause of aberrant splicing (PMID: 17576681, 9536098). Algorithms developed to predict the effect of sequence changes on RNA splicing suggest that this variant is not likely to affect RNA splicing. In summary, the available evidence is currently insufficient to determine the role of this variant in disease. Therefore, it has been classified as a Variant of Uncertain Significance.

Literature cited by the submitters: PubMed 17576681; PubMed 9536098.